The following is an entry in ClinVar:

NM_024753.5(TTC21B):c.3539T>C (p.Leu1180Pro)

Gene: TTC21B (tetratricopeptide repeat domain 21B; minus strand). Cytogenetic location: 2q24.3.
Variant type: single nucleotide variant.
Coding change: c.3539T>C on transcript NM_024753.5 (MANE Select); coding-DNA position 3539, T replaced by C.
Protein change: p.Leu1180Pro; replaces leucine 1180 with proline.
Molecular consequence: missense variant.
Genome position (GRCh38, 1-based): chr2:165,883,939, A>G on the plus strand (T>C on the coding strand, the complement: TTC21B is on the minus strand). VCF-style: chr2-165883939-A-G. GRCh37 (hg19) VCF-style: chr2-166740449-A-G.
Other names: short protein forms L1180P.
Identifiers: ClinVar variation 2065868 (VCV002065868.4), dbSNP rs2468109757, ClinGen allele CA349047059.

ClinVar aggregate classification (germline): Uncertain significance (1 of 4 stars; one submission).

Conditions:
Jeune thoracic dystrophy. Also called: Infantile thoracic dystrophy; Thoracic pelvic phalangeal dystrophy; Jeune's syndrome; Chondroectodermal dysplasia-like syndrome; Short-rib thoracic dysplasia; Jeune syndrome. Identifiers: Orphanet 474, MedGen C0265275, MONDO:0018770.
Nephronophthisis. Also called: Juvenile Nephronophthisis. Identifiers: Orphanet 655, MedGen C0687120, MONDO:0019005, HP:0000090.

Allele frequency attached by ClinVar (database versions not stated): gnomAD exomes below 0.00001.
gnomAD v4.1: 1 of 1,614,150 alleles (0.000062%); highest among the groups gnomAD compares: South Asian, 0.0011%; no homozygotes.

Submission:

Labcorp Genetics (formerly Invitae), Labcorp
Classification: Uncertain significance for Jeune thoracic dystrophy; Nephronophthisis. Last evaluated: 2022-04-26. Review status: criteria provided, single submitter. Criteria: Invitae Variant Classification Sherloc (09022015). Collection method: clinical testing. Allele origin: germline.
Comment: In summary, the available evidence is currently insufficient to determine the role of this variant in disease. Therefore, it has been classified as a Variant of Uncertain Significance. Algorithms developed to predict the effect of missense changes on protein structure and function are either unavailable or do not agree on the potential impact of this missense change (SIFT: "Deleterious"; PolyPhen-2: "Probably Damaging"; Align-GVGD: "Class C0"). This variant has not been reported in the literature in individuals affected with TTC21B-related conditions. This variant is not present in population databases (gnomAD no frequency). This sequence change replaces leucine, which is neutral and non-polar, with proline, which is neutral and non-polar, at codon 1180 of the TTC21B protein (p.Leu1180Pro).